The following is an entry in ClinVar:

ClinVar aggregate classification (germline): Uncertain significance. Review status: criteria provided, multiple submitters, no conflicts (2 of 4 stars). 2 submissions from 2 submitters: Uncertain significance (2). Last evaluated 2025-10-22.

Allele frequency attached by ClinVar (database versions not stated): gnomAD exomes below 0.00001; gnomAD 0.00001; TOPMed 0.00001.
gnomAD v4.1: 8 of 1,614,096 alleles (0.0005%); highest among the groups gnomAD compares: Admixed American, 0.0033%; no homozygotes.

Submissions (2):

Ambry Genetics
Classification: Uncertain significance. Last evaluated: 2025-10-22. Review status: criteria provided, single submitter. Criteria: Ambry Variant Classification Scheme 2023. Collection method: clinical testing. Allele origin: germline.

Labcorp Genetics (formerly Invitae), Labcorp
Classification: Uncertain significance. Last evaluated: 2023-07-06. Review status: criteria provided, single submitter. Criteria: Invitae Variant Classification Sherloc (09022015). Collection method: clinical testing. Allele origin: germline.
Comment: In summary, the available evidence is currently insufficient to determine the role of this variant in disease. Therefore, it has been classified as a Variant of Uncertain Significance. An algorithm developed to predict the effect of missense changes on protein structure and function (PolyPhen-2) suggests that this variant is likely to be disruptive. This variant has not been reported in the literature in individuals affected with TERF2IP-related conditions. This variant is present in population databases (no rsID available, gnomAD 0.003%). This sequence change replaces threonine, which is neutral and polar, with alanine, which is neutral and non-polar, at codon 331 of the TERF2IP protein (p.Thr331Ala).

NM_018975.4(TERF2IP):c.991A>G (p.Thr331Ala)

Gene: TERF2IP (TERF2 interacting protein; plus strand). Cytogenetic location: 16q23.1.
Variant type: single nucleotide variant.
Coding change: c.991A>G on transcript NM_018975.4 (MANE Select); coding-DNA position 991, A replaced by G.
Protein change: p.Thr331Ala; replaces threonine 331 with alanine.
Molecular consequence: missense variant. On other transcripts: non-coding transcript variant (1).
Genome position (GRCh38, 1-based): chr16:75,656,402, A>G. VCF-style: chr16-75656402-A-G. GRCh37 (hg19) VCF-style: chr16-75690300-A-G.
Other names: c.991A>G (NM_018975.3); short protein forms T331A.
Identifiers: ClinVar variation 2841456 (VCV002841456.5), dbSNP rs1156993621, ClinGen allele CA396820032.